The following is an entry in ClinVar:

ClinVar aggregate classification (germline): Uncertain significance (1 of 4 stars; one submission).

Conditions:
Intellectual developmental disorder, X-linked 1. Also called: MENTAL RETARDATION, X-LINKED 18; MENTAL RETARDATION, X-LINKED 78; Atkin Flaitz Patil Smith syndrome; Intellectual disability, X-linked 1. Identifiers: Orphanet 777, MedGen C2931498, MONDO:0010656, OMIM 309530.

Submission:

Labcorp Genetics (formerly Invitae), Labcorp
Classification: Uncertain significance for Intellectual developmental disorder, X-linked 1. Last evaluated: 2023-10-09. Review status: criteria provided, single submitter. Criteria: Invitae Variant Classification Sherloc (09022015). Collection method: clinical testing. Allele origin: germline.
Comment: This sequence change replaces proline, which is neutral and non-polar, with glutamine, which is neutral and polar, at codon 199 of the IQSEC2 protein (p.Pro199Gln). This variant is not present in population databases (gnomAD no frequency). This variant has not been reported in the literature in individuals affected with IQSEC2-related conditions. Advanced modeling of protein sequence and biophysical properties (such as structural, functional, and spatial information, amino acid conservation, physicochemical variation, residue mobility, and thermodynamic stability) performed at Invitae indicates that this missense variant is not expected to disrupt IQSEC2 protein function. In summary, the available evidence is currently insufficient to determine the role of this variant in disease. Therefore, it has been classified as a Variant of Uncertain Significance.

NM_001111125.3(IQSEC2):c.596C>A (p.Pro199Gln)

Gene: IQSEC2 (IQ motif and Sec7 domain ArfGEF 2; minus strand). Cytogenetic location: Xp11.22.
Variant type: single nucleotide variant.
Coding change: c.596C>A on transcript NM_001111125.3 (MANE Select); coding-DNA position 596, C replaced by A.
Protein change: p.Pro199Gln; replaces proline 199 with glutamine.
Molecular consequence: missense variant.
Genome position (GRCh38, 1-based): chrX:53,320,528, G>T on the plus strand (C>A on the coding strand, the complement: IQSEC2 is on the minus strand). VCF-style: chrX-53320528-G-T. GRCh37 (hg19) VCF-style: chrX-53349726-G-T.
Other names: c.596C>A, p.Pro199Gln (NM_001410736.1); short protein forms P199Q.
Identifiers: ClinVar variation 2910443 (VCV002910443.3), dbSNP rs782439813, ClinGen allele CA413239005.
Genomic context (GRCh38, chrX:53,320,528, plus strand): 5'-CCGCCGGCGCCGGGACTGGAGCTCCTGGATGCGCCACGGCTCAGCTGGCCCCGCTCCCGC[G>T]GTGGCCGCGGCCCCACGCCCACCGCCGCCGAATAGCCCGCTTCCTTCTCGCGGCCCGGGT-3'
Protein context (NP_001104595.1, residues 189-209): SAAVGVGPRP[Pro199Gln]RERGQLSRGA